The following is an entry in ClinVar:

ClinVar aggregate classification (germline): Pathogenic (1 of 4 stars; one submission).

Conditions:
Neurofibromatosis, type 1 (NF1). Also called: VON RECKLINGHAUSEN DISEASE; NEUROFIBROMATOSIS, TYPE I, SOMATIC; Peripheral type neurofibromatosis; Neurofibromatosis, type I. Identifiers: Orphanet 636, MedGen C0027831, MONDO:0018975, OMIM 162200. Disease mechanism: loss of function.

Submission:

Labcorp Genetics (formerly Invitae), Labcorp
Classification: Pathogenic for Neurofibromatosis, type 1. Last evaluated: 2024-10-16. Review status: criteria provided, single submitter. Criteria: Invitae Variant Classification Sherloc (09022015). Collection method: clinical testing. Allele origin: germline.
Comment: This sequence change creates a premature translational stop signal (p.Gly1678Alafs*7) in the NF1 gene. It is expected to result in an absent or disrupted protein product. Loss-of-function variants in NF1 are known to be pathogenic (PMID: 10712197, 23913538). This variant is not present in population databases (gnomAD no frequency). This variant has not been reported in the literature in individuals affected with NF1-related conditions. For these reasons, this variant has been classified as Pathogenic.

Literature cited by the submitters: PubMed 10712197; PubMed 23913538.

NM_001042492.3(NF1):c.5089_5095dup (p.Gly1699fs)

Gene: NF1 (neurofibromin 1; plus strand). Cytogenetic location: 17q11.2.
Variant type: Duplication.
Coding change: c.5089_5095dup on transcript NM_001042492.3 (MANE Select); coding-DNA positions 5089 to 5095, 7 bases duplicated (CTGACTG; older notation c.5089_5095dupCTGACTG).
Protein change: p.Gly1699fs; shifts the reading frame from glycine 1699.
Molecular consequence: frameshift variant.
Genome position (GRCh38, 1-based): chr17:31,326,073-31,326,079, CTGACTG duplicated; duplicating any 7 consecutive bases within chr17:31,326,070-31,326,079 gives the same sequence; the c. name uses the placement nearest the transcript's 3' end. VCF-style (leftmost placement, unchanged base first): chr17-31326069-G-GCTGCTGA. GRCh37 (hg19) VCF-style: chr17-29653087-G-GCTGCTGA.
Other names: c.5026_5032dup, p.Gly1678Alafs (NM_000267.4); short protein forms G1699fs, G1678fs.
Identifiers: ClinVar variation 3722974 (VCV003722974.2).